The following is an entry in ClinVar:

ClinVar aggregate classification (germline): Likely pathogenic (1 of 4 stars; one submission).

Conditions:
Spinal muscular atrophy-progressive myoclonic epilepsy syndrome. Also called: Spinal muscular atrophy with progressive myoclonic epilepsy; Spinal Muscular Atrophy with Progressive Myoclonic Epilepsy (SMA-PME); MYOCLONUS, HEREDITARY, WITH PROGRESSIVE DISTAL MUSCULAR ATROPHY; Hereditary myoclonus and progressive distal muscular atrophy. Identifiers: Orphanet 2590, MedGen C1834569, MONDO:0008045, OMIM 159950.

Allele frequency attached by ClinVar (database versions not stated): gnomAD exomes below 0.00001; ExAC 0.00002.
gnomAD v4.1: 3 of 1,603,320 alleles (0.00019%); highest among the groups gnomAD compares: South Asian, 0.0011%; no homozygotes.

Submission:

MGZ Medical Genetics Center
Classification: Likely pathogenic for Spinal muscular atrophy-progressive myoclonic epilepsy syndrome. Last evaluated: 2022-03-23. Review status: criteria provided, single submitter. Criteria: ACMG Guidelines, 2015. Collection method: clinical testing. Allele origin: germline. Affected: yes. Observed: 1 variant allele.
Comment: ACMG criteria applied: PS4_MOD, PM3, PM2_SUP, PP3

NM_177924.5(ASAH1):c.1157G>A (p.Arg386Gln)

Gene: ASAH1 (N-acylsphingosine amidohydrolase 1; minus strand). Cytogenetic location: 8p22.
Variant type: single nucleotide variant.
Coding change: c.1157G>A on transcript NM_177924.5 (MANE Select); coding-DNA position 1157, G replaced by A.
Protein change: p.Arg386Gln; replaces arginine 386 with glutamine.
Molecular consequence: missense variant.
Genome position (GRCh38, 1-based): chr8:18,057,565, C>T on the plus strand (G>A on the coding strand, the complement: ASAH1 is on the minus strand). VCF-style: chr8-18057565-C-T. GRCh37 (hg19) VCF-style: chr8-17915074-C-T.
Other names: c.1139G>A, p.Arg380Gln (NM_001127505.3); c.962G>A, p.Arg321Gln (NM_001363743.2); c.1205G>A, p.Arg402Gln (NM_004315.6); short protein forms R321Q, R380Q, R386Q, R402Q.
Identifiers: ClinVar variation 1709286 (VCV001709286.2), dbSNP rs769587137, ClinGen allele CA4650494.